The following is an entry in ClinVar:

ClinVar aggregate classification (germline): Uncertain significance (1 of 4 stars; one submission).

Allele frequency attached by ClinVar (database versions not stated): gnomAD exomes below 0.00001.
gnomAD v4.1: 1 of 1,614,116 alleles (0.000062%); highest among the groups gnomAD compares: Non-Finnish European, 0.000085%; no homozygotes.

Submission:

Labcorp Genetics (formerly Invitae), Labcorp
Classification: Uncertain significance for Combined immunodeficiency due to DOCK8 deficiency. Last evaluated: 2022-05-27. Review status: criteria provided, single submitter. Criteria: Invitae Variant Classification Sherloc (09022015). Collection method: clinical testing. Allele origin: germline.
Comment: This sequence change replaces lysine, which is basic and polar, with arginine, which is basic and polar, at codon 261 of the DOCK8 protein (p.Lys261Arg). This variant is not present in population databases (gnomAD no frequency). This variant has not been reported in the literature in individuals affected with DOCK8-related conditions. Algorithms developed to predict the effect of missense changes on protein structure and function (SIFT, PolyPhen-2, Align-GVGD) all suggest that this variant is likely to be tolerated. In summary, the available evidence is currently insufficient to determine the role of this variant in disease. Therefore, it has been classified as a Variant of Uncertain Significance.

NM_203447.4(DOCK8):c.782A>G (p.Lys261Arg)

Gene: DOCK8 (dedicator of cytokinesis 8; plus strand). Cytogenetic location: 9p24.3.
Variant type: single nucleotide variant.
Coding change: c.782A>G on transcript NM_203447.4 (MANE Select); coding-DNA position 782, A replaced by G.
Protein change: p.Lys261Arg; replaces lysine 261 with arginine.
Molecular consequence: missense variant.
Genome position (GRCh38, 1-based): chr9:317,083, A>G. VCF-style: chr9-317083-A-G. GRCh37 (hg19) VCF-style: chr9-317083-A-G.
Other names: c.578A>G, p.Lys193Arg (NM_001190458.2, NM_001193536.2); short protein forms K193R, K261R.
Identifiers: ClinVar variation 2056604 (VCV002056604.3), dbSNP rs2537827949, ClinGen allele CA372761835.